The following is an entry in ClinVar:

ClinVar aggregate classification (germline): Benign. Review status: criteria provided, multiple submitters, no conflicts (2 of 4 stars). 2 submissions from 2 submitters: Benign (2). Last evaluated 2018-06-14.

Allele frequency attached by ClinVar (database versions not stated): 1000 Genomes Project 30x 0.86305; TOPMed 0.86458; 1000 Genomes Project 0.86721; gnomAD 0.87860 and 0.88331; gnomAD exomes 0.94255.
gnomAD v4.1: 811,805 of 871,616 alleles (93%); highest among the groups gnomAD compares: South Asian, 97%; 379,939 homozygotes.

Submissions (2):

GeneDx
Classification: Benign. Last evaluated: 2018-06-14. Review status: criteria provided, single submitter. Criteria: GeneDx Variant Classification (06012015). Collection method: clinical testing. Allele origin: germline. Affected: yes.
Comment: This variant is considered likely benign or benign based on one or more of the following criteria: it is a conservative change, it occurs at a poorly conserved position in the protein, it is predicted to be benign by multiple in silico algorithms, and/or has population frequency not consistent with disease.

Breakthrough Genomics
Classification: Benign. Review status: criteria provided, single submitter. Criteria: ACMG Guidelines, 2015. Collection method: not provided. Allele origin: germline. Inheritance: Autosomal recessive inheritance. Affected: yes.

NM_001077365.2(POMT1):c.855+175G>A

Gene: POMT1 (protein O-mannosyltransferase 1; plus strand). Cytogenetic location: 9q34.13.
Variant type: single nucleotide variant.
Coding change: c.855+175G>A on transcript NM_001077365.2 (MANE Select); 175 bases into the intron after coding-DNA position 855, G replaced by A.
Molecular consequence: intron variant.
Genome position (GRCh38, 1-based): chr9:131,510,590, G>A. VCF-style: chr9-131510590-G-A. GRCh37 (hg19) VCF-style: chr9-134385977-G-A.
Other names: c.759+175G>A (NM_001353198.2, NM_001353197.2); c.921+175G>A (NM_001353193.2, NM_007171.4); c.855+175G>A (NM_001136113.2, NM_001374690.1); c.693+175G>A (NM_001353194.2, NM_001077366.2, NM_001374693.1); c.504+175G>A (NM_001374691.1, NM_001353195.2, NM_001374692.1 and 1 more transcripts); c.765+175G>A (NM_001353196.2); c.465+175G>A (NM_001374695.1); c.838+175G>A (NM_001374689.1); and 2 more.
Identifiers: ClinVar variation 667983 (VCV000667983.2), dbSNP rs3780259, ClinGen allele CA15591124.